The following is an entry in ClinVar:

NM_020184.4(CNNM4):c.1304G>A (p.Cys435Tyr)

Gene: CNNM4 (cyclin and CBS domain divalent metal cation transport mediator 4; plus strand). Cytogenetic location: 2q11.2.
Variant type: single nucleotide variant.
Coding change: c.1304G>A on transcript NM_020184.4 (MANE Select); coding-DNA position 1304, G replaced by A.
Protein change: p.Cys435Tyr; replaces cysteine 435 with tyrosine.
Molecular consequence: missense variant.
Genome position (GRCh38, 1-based): chr2:96,762,303, G>A. VCF-style: chr2-96762303-G-A. GRCh37 (hg19) VCF-style: chr2-97428040-G-A.
Other names: short protein forms C435Y.
Identifiers: ClinVar variation 1355074 (VCV001355074.6), dbSNP rs1342602438, ClinGen allele CA347717359.

ClinVar aggregate classification (germline): Uncertain significance (1 of 4 stars; one submission).

Allele frequency attached by ClinVar (database versions not stated): gnomAD exomes below 0.00001 and 0.00001.

Submission:

Labcorp Genetics (formerly Invitae), Labcorp
Classification: Uncertain significance. Last evaluated: 2022-10-04. Review status: criteria provided, single submitter. Criteria: Invitae Variant Classification Sherloc (09022015). Collection method: clinical testing. Allele origin: germline.
Comment: This sequence change replaces cysteine, which is neutral and slightly polar, with tyrosine, which is neutral and polar, at codon 435 of the CNNM4 protein (p.Cys435Tyr). In summary, the available evidence is currently insufficient to determine the role of this variant in disease. Therefore, it has been classified as a Variant of Uncertain Significance. Advanced modeling of protein sequence and biophysical properties (such as structural, functional, and spatial information, amino acid conservation, physicochemical variation, residue mobility, and thermodynamic stability) performed at Invitae indicates that this missense variant is expected to disrupt CNNM4 protein function. ClinVar contains an entry for this variant (Variation ID: 1355074). This variant has not been reported in the literature in individuals affected with CNNM4-related conditions. This variant is present in population databases (no rsID available, gnomAD 0.006%).